The following is an entry in ClinVar:

NM_000018.4(ACADVL):c.1243GCC[1] (p.Ala416del)

Gene: ACADVL (acyl-CoA dehydrogenase very long chain; plus strand). Cytogenetic location: 17p13.1.
Variant type: Microsatellite.
Coding change: c.1243GCC[1] on transcript NM_000018.4 (MANE Select); one copy of the 3-base unit GCC starting at c.1243; the reference has two copies in a row; one copy, 3 bases deleted; also written c.1246_1248del.
Protein change: p.Ala416del; deletes alanine 416.
Molecular consequence: inframe deletion.
Genome position (GRCh38, 1-based): chr17:7,223,707-7,223,709, GCC deleted; deleting any 3 consecutive bases within chr17:7,223,704-7,223,709 gives the same sequence; the position shown is the placement nearest the transcript's 3' end. VCF-style (leftmost placement, unchanged base first): chr17-7223703-GGCC-G. GRCh37 (hg19) VCF-style: chr17-7127022-GGCC-G.
Other names: c.1246_1248del (NM_000018.2); c.1177GCC[1], p.Ala394del (NM_001033859.3); c.1312GCC[1], p.Ala439del (NM_001270447.2); c.1015GCC[1], p.Ala340del (NM_001270448.2); short protein forms A340del, A416del, A394del, A439del.
Identifiers: ClinVar variation 2010618 (VCV002010618.6), dbSNP rs2508341426, ClinGen allele CA2580613972.

ClinVar aggregate classification (germline): Pathogenic/Likely pathogenic. Review status: criteria provided, multiple submitters, no conflicts (2 of 4 stars). 2 submissions from 2 submitters: Pathogenic (1); Likely pathogenic (1). Last evaluated 2024-12-03.

Conditions:
Very long chain acyl-CoA dehydrogenase deficiency (ACADVLD). Also called: VLCAD Deficiency; Very Long-Chain Acyl-Coenzyme A Dehydrogenase Deficiency. Identifiers: Orphanet 26793, MedGen C3887523, MONDO:0008723, OMIM 201475.

Submissions (2):

GeneDx
Classification: Likely pathogenic. Last evaluated: 2024-12-03. Review status: criteria provided, single submitter. Criteria: GeneDx Variant Classification Process June 2021. Collection method: clinical testing. Allele origin: germline. Affected: yes.
Comment: Not observed at significant frequency in large population cohorts (gnomAD); In-frame deletion of 1 amino acid(s) in a non-repeat region; In silico analysis supports a deleterious effect on protein structure/function; Has not been previously published as pathogenic or benign to our knowledge

Labcorp Genetics (formerly Invitae), Labcorp
Classification: Pathogenic for Very long chain acyl-CoA dehydrogenase deficiency. Last evaluated: 2023-10-05. Review status: criteria provided, single submitter. Criteria: Invitae Variant Classification Sherloc (09022015). Collection method: clinical testing. Allele origin: germline.
Comment: This variant, c.1246_1248del, results in the deletion of 1 amino acid(s) of the ACADVL protein (p.Ala416del), but otherwise preserves the integrity of the reading frame. This variant is not present in population databases (gnomAD no frequency). This variant has not been reported in the literature in individuals affected with ACADVL-related conditions. Algorithms developed to predict the effect of sequence changes on RNA splicing suggest that this variant may disrupt the consensus splice site. This variant disrupts a region of the ACADVL protein in which other variant(s) (p.Ala416Thr) have been determined to be pathogenic (PMID: 11158518, 11914034, 15210884). This suggests that this is a clinically significant region of the protein, and that variants that disrupt it are likely to be disease-causing. For these reasons, this variant has been classified as Pathogenic.

Literature cited by the submitters: PubMed 11158518 (cited by Labcorp Genetics (formerly Invitae), Labcorp); PubMed 11914034 (cited by Labcorp Genetics (formerly Invitae), Labcorp); PubMed 15210884 (cited by Labcorp Genetics (formerly Invitae), Labcorp).